The following is an entry in ClinVar:

ClinVar aggregate classification (germline): Likely pathogenic (1 of 4 stars; one submission).

Conditions:
Autosomal recessive limb-girdle muscular dystrophy type 2Y (MRRSDC). Also called: Muscular dystrophy, autosomal recessive, with rigid spine and distal joint contractures; Muscular dystrophy, limb-girdle, type 2y. Identifiers: Orphanet 424261, MedGen C4511482, MONDO:0014900, OMIM 617072.

gnomAD v4.1: 1 of 1,588,930 alleles (0.000063%); highest among the groups gnomAD compares: Non-Finnish European, 0.000086%; no homozygotes.

Submission:

Labcorp Genetics (formerly Invitae), Labcorp
Classification: Likely pathogenic for Autosomal recessive limb-girdle muscular dystrophy type 2Y. Last evaluated: 2024-12-19. Review status: criteria provided, single submitter. Criteria: Invitae Variant Classification Sherloc (09022015). Collection method: clinical testing. Allele origin: germline.
Comment: This sequence change affects a donor splice site in intron 5 of the TOR1AIP1 gene. It is expected to disrupt RNA splicing. Variants that disrupt the donor or acceptor splice site typically lead to a loss of protein function (PMID: 16199547), and loss-of-function variants in TOR1AIP1 are known to be pathogenic (PMID: 24856141, 27342937). This variant is not present in population databases (gnomAD no frequency). This variant has not been reported in the literature in individuals affected with TOR1AIP1-related conditions. Algorithms developed to predict the effect of sequence changes on RNA splicing suggest that this variant may disrupt the consensus splice site. In summary, the currently available evidence indicates that the variant is pathogenic, but additional data are needed to prove that conclusively. Therefore, this variant has been classified as Likely Pathogenic.

Literature cited by the submitters: PubMed 16199547; PubMed 24856141; PubMed 27342937.

NM_015602.4(TOR1AIP1):c.739+2T>C

Gene: TOR1AIP1 (torsin 1A interacting protein 1; plus strand). Cytogenetic location: 1q25.2.
Variant type: single nucleotide variant.
Coding change: c.739+2T>C on transcript NM_015602.4 (MANE Select); the canonical splice donor site of the intron after coding-DNA position 739, T replaced by C.
Molecular consequence: splice donor variant.
Genome position (GRCh38, 1-based): chr1:179,901,390, T>C. VCF-style: chr1-179901390-T-C. GRCh37 (hg19) VCF-style: chr1-179870525-T-C.
Other names: c.742+2T>C (NM_001267578.2).
Identifiers: ClinVar variation 3727645 (VCV003727645.2).